The following is an entry in ClinVar:

ClinVar aggregate classification (germline): Uncertain significance (1 of 4 stars; one submission).

Allele frequency attached by ClinVar (database versions not stated): gnomAD 0.00001; gnomAD exomes 0.00002 and 0.00006; TOPMed 0.00003; ExAC 0.00006; ESP Exome Variant Server 0.00008; 1000 Genomes Project 0.00020; 1000 Genomes Project 30x 0.00031.
gnomAD v4.1: 36 of 1,608,700 alleles (0.0022%); highest among the groups gnomAD compares: Admixed American, 0.01%; no homozygotes.

Submission:

Labcorp Genetics (formerly Invitae), Labcorp
Classification: Uncertain significance. Last evaluated: 2022-07-12. Review status: criteria provided, single submitter. Criteria: Invitae Variant Classification Sherloc (09022015). Collection method: clinical testing. Allele origin: germline.
Comment: This sequence change replaces arginine, which is basic and polar, with histidine, which is basic and polar, at codon 312 of the ATF6 protein (p.Arg312His). This variant is present in population databases (rs148863991, gnomAD 0.05%). This variant has not been reported in the literature in individuals affected with ATF6-related conditions. ClinVar contains an entry for this variant (Variation ID: 966808). Algorithms developed to predict the effect of missense changes on protein structure and function are either unavailable or do not agree on the potential impact of this missense change (SIFT: "Deleterious"; PolyPhen-2: "Probably Damaging"; Align-GVGD: "Class C0"). In summary, the available evidence is currently insufficient to determine the role of this variant in disease. Therefore, it has been classified as a Variant of Uncertain Significance.

NM_007348.4(ATF6):c.935G>A (p.Arg312His)

Gene: ATF6 (activating transcription factor 6; plus strand). Cytogenetic location: 1q23.3.
Variant type: single nucleotide variant.
Coding change: c.935G>A on transcript NM_007348.4 (MANE Select); coding-DNA position 935, G replaced by A.
Protein change: p.Arg312His; replaces arginine 312 with histidine.
Molecular consequence: missense variant.
Genome position (GRCh38, 1-based): chr1:161,819,658, G>A. VCF-style: chr1-161819658-G-A. GRCh37 (hg19) VCF-style: chr1-161789448-G-A.
Other names: short protein forms R312H.
Identifiers: ClinVar variation 966808 (VCV000966808.4), dbSNP rs148863991, ClinGen allele CA1214325.
Genomic context (GRCh38, chr1:161,819,658, plus strand): 5'-ACCAGGGTATTCTGATTCATTATAACTTTTTCTAGATTGCTGTGCTAAGGAGACAGCAAC[G>A]TATGATAAAAAATCGAGAATCCGCTTGTCAGTCTCGCAAGAAGAAGAAAGAATATATGCT-3'
Protein context (NP_031374.2, residues 302-322): SDIAVLRRQQ[Arg312His]MIKNRESACQ